The following is an entry in ClinVar:

NM_001374736.1(DST):c.14735C>T (p.Ser4912Phe)

Gene: DST (dystonin; minus strand). Cytogenetic location: 6p12.1.
Variant type: single nucleotide variant.
Coding change: c.14735C>T on transcript NM_001374736.1 (MANE Select); coding-DNA position 14735, C replaced by T.
Protein change: p.Ser4912Phe; replaces serine 4912 with phenylalanine.
Molecular consequence: missense variant.
Genome position (GRCh38, 1-based): chr6:56,555,746, G>A on the plus strand (C>T on the coding strand, the complement: DST is on the minus strand). VCF-style: chr6-56555746-G-A. GRCh37 (hg19) VCF-style: chr6-56420544-G-A.
Other names: c.8378C>T, p.Ser2793Phe (NM_001144769.5); c.7964C>T, p.Ser2655Phe (NM_001144770.2); c.14735C>T, p.Ser4912Phe (NM_001374722.1); c.14102C>T, p.Ser4701Phe (NM_001374729.1); c.7844C>T, p.Ser2615Phe (NM_001374730.1, NM_001386100.1, NM_183380.4); c.14762C>T, p.Ser4921Phe (NM_001374734.1); c.6866C>T, p.Ser2289Phe (NM_015548.5); short protein forms S2289F, S2793F, S4701F, S4912F, S4921F, S2655F, S2615F.
Identifiers: ClinVar variation 1503850 (VCV001503850.3), dbSNP rs373536998, ClinGen allele CA3867936.

ClinVar aggregate classification (germline): Uncertain significance (1 of 4 stars; one submission).

Conditions:
Hereditary sensory and autonomic neuropathy type 6. Also called: Neuropathy, hereditary sensory and autonomic, type VI; HSAN VI. Identifiers: Orphanet 314381, MedGen C3539003, MONDO:0013839, OMIM 614653.
Epidermolysis bullosa simplex 3, localized or generalized intermediate, with BP230 deficiency (EBS3). Also called: Epidermolysis bullosa simplex due to BP230 deficiency; Epidermolysis bullosa simplex, autosomal recessive 2. Identifiers: Orphanet 412181, MedGen C3809470, MONDO:0014180, OMIM 615425.

Allele frequency attached by ClinVar (database versions not stated): gnomAD exomes 0.00004; ExAC 0.00005; gnomAD 0.00010 and 0.00011; TOPMed 0.00011; ESP Exome Variant Server 0.00025.
gnomAD v4.1: 34 of 1,605,130 alleles (0.0021%); highest among the groups gnomAD compares: African/African-American, 0.044%; no homozygotes.

Submission:

Labcorp Genetics (formerly Invitae), Labcorp
Classification: Uncertain significance for Epidermolysis bullosa simplex 3, localized or generalized intermediate, with BP230 deficiency; Hereditary sensory and autonomic neuropathy type 6. Last evaluated: 2022-10-13. Review status: criteria provided, single submitter. Criteria: Invitae Variant Classification Sherloc (09022015). Collection method: clinical testing. Allele origin: germline.
Comment: The DST gene has multiple clinically relevant transcripts. This variant occurs in alternate transcript NM_015548.4, and corresponds to NM_001723.5:c.*59771C>T in the primary transcript. This sequence change replaces serine, which is neutral and polar, with phenylalanine, which is neutral and non-polar, at codon 2289 of the DST protein (p.Ser2289Phe). This variant is present in population databases (rs373536998, gnomAD 0.05%). This variant has not been reported in the literature in individuals affected with DST-related conditions. Experimental studies and prediction algorithms are not available or were not evaluated, and the functional significance of this variant is currently unknown. In summary, the available evidence is currently insufficient to determine the role of this variant in disease. Therefore, it has been classified as a Variant of Uncertain Significance.